The following is an entry in ClinVar:

ClinVar aggregate classification (germline): Uncertain significance (1 of 4 stars; one submission).

Conditions:
Cardiovascular phenotype. Identifiers: MedGen CN230736.

Allele frequency attached by ClinVar (database versions not stated): gnomAD exomes below 0.00001.
gnomAD v4.1: 1 of 1,613,704 alleles (0.000062%); highest among the groups gnomAD compares: Non-Finnish European, 0.000085%; no homozygotes.

Submission:

Ambry Genetics
Classification: Uncertain significance for Cardiovascular phenotype. Last evaluated: 2024-08-01. Review status: criteria provided, single submitter. Criteria: Ambry Variant Classification Scheme 2023. Collection method: clinical testing. Allele origin: germline.
Comment: The c.856G>A (p.G286S) alteration is located in exon 6 (coding exon 6) of the CACNA1C gene. This alteration results from a G to A substitution at nucleotide position 856, causing the glycine (G) at amino acid position 286 to be replaced by a serine (S). This variant was not reported in population-based cohorts in the Genome Aggregation Database (gnomAD). This amino acid position is highly conserved in available vertebrate species. This missense alteration is located in a region that has a low rate of benign missense variation (Lek, 2016; Firth, 2009). This alteration is predicted to be deleterious by in silico analysis. Based on insufficient or conflicting evidence, the clinical significance of this alteration remains unclear.

NM_000719.7(CACNA1C):c.856G>A (p.Gly286Ser)

Gene: CACNA1C (calcium voltage-gated channel subunit alpha1 C; plus strand). Cytogenetic location: 12p13.33.
Variant type: single nucleotide variant.
Coding change: c.856G>A on transcript NM_000719.7 (MANE Select); coding-DNA position 856, G replaced by A.
Protein change: p.Gly286Ser; replaces glycine 286 with serine.
Molecular consequence: missense variant.
Genome position (GRCh38, 1-based): chr12:2,486,202, G>A. VCF-style: chr12-2486202-G-A. GRCh37 (hg19) VCF-style: chr12-2595368-G-A.
Other names: c.856G>A, p.Gly286Ser (NM_001129827.2, NM_001129829.2, NM_001129830.3 and 19 more transcripts); short protein forms G286S.
Identifiers: ClinVar variation 1763890 (VCV001763890.3), dbSNP rs2502991786, ClinGen allele CA383369460.